The following is an entry in ClinVar:

ClinVar aggregate classification (germline): Uncertain significance. Review status: criteria provided, multiple submitters, no conflicts (2 of 4 stars). 2 submissions from 2 submitters: Uncertain significance (2). Last evaluated 2025-10-13.

Conditions:
SEMA3D-related disorder. Also called: SEMA3D-related condition.

gnomAD v4.1: 18 of 1,463,462 alleles (0.0012%); highest among the groups gnomAD compares: East Asian, 0.014%; no homozygotes.

Submissions (2):

PreventionGenetics, part of Exact Sciences
Classification: Uncertain significance for SEMA3D-related condition. Last evaluated: 2025-10-13. Review status: criteria provided, single submitter. Criteria: ACMG Guidelines, 2015. Collection method: clinical testing. Allele origin: germline.
Comment: The SEMA3D c.1036A>G variant is predicted to result in the amino acid substitution p.Thr346Ala. To our knowledge, this variant has not been reported in the literature. This variant is reported in 0.033% of alleles in individuals of East Asian descent in gnomAD. At this time, the clinical significance of this variant is uncertain due to the absence of conclusive functional and genetic evidence.

Ambry Genetics
Classification: Uncertain significance. Last evaluated: 2025-06-03. Review status: criteria provided, single submitter. Criteria: Ambry Variant Classification Scheme 2023. Collection method: clinical testing. Allele origin: germline.

NM_001384900.1(SEMA3D):c.1036A>G (p.Thr346Ala)

Gene: SEMA3D (semaphorin 3D; minus strand). Cytogenetic location: 7q21.11.
Variant type: single nucleotide variant.
Coding change: c.1036A>G on transcript NM_001384900.1 (MANE Select); coding-DNA position 1036, A replaced by G.
Protein change: p.Thr346Ala; replaces threonine 346 with alanine.
Molecular consequence: missense variant.
Genome position (GRCh38, 1-based): chr7:85,040,683, T>C on the plus strand (A>G on the coding strand, the complement: SEMA3D is on the minus strand). VCF-style: chr7-85040683-T-C. GRCh37 (hg19) VCF-style: chr7-84669999-T-C.
Other names: c.1036A>G, p.Thr346Ala (NM_001384901.1, NM_001384902.1, NM_001384903.1 and 1 more transcripts); short protein forms T346A.
Identifiers: ClinVar variation 3952079 (VCV003952079.2).